The following is an entry in ClinVar:

NM_021969.3(NR0B2):c.672C>T (p.Leu224=)

Genes: NR0B2 (nuclear receptor subfamily 0 group B member 2; minus strand), NUDC (nuclear distribution C, dynein complex regulator; plus strand). Cytogenetic location: 1p36.11.
Variant type: single nucleotide variant.
Coding change: c.672C>T on transcript NM_021969.3 (MANE Select); coding-DNA position 672, C replaced by T.
Protein change: p.Leu224=; no amino-acid change (leucine 224 retained).
Molecular consequence: synonymous variant.
Genome position (GRCh38, 1-based): chr1:26,911,947, G>A on the plus strand (C>T on the coding strand, the complement: NR0B2 is on the minus strand). VCF-style: chr1-26911947-G-A. GRCh37 (hg19) VCF-style: chr1-27238438-G-A.
Other names: c.672C>T (NM_021969.2).
Identifiers: ClinVar variation 2883020 (VCV002883020.4), dbSNP rs150069435, ClinGen allele CA709558.

ClinVar aggregate classification (germline): Likely benign. Review status: criteria provided, single submitter (1 of 4 stars). 2 submissions from 2 submitters: Likely benign (1). 1 of the submissions does not count toward it. Last evaluated 2024-08-08.

Conditions:
NR0B2-related disorder. Also called: NR0B2-related condition.

Allele frequency attached by ClinVar (database versions not stated): gnomAD 0.00001; ExAC 0.00002; gnomAD exomes 0.00002; TOPMed 0.00002; ESP Exome Variant Server 0.00008.
gnomAD v4.1: 29 of 1,614,146 alleles (0.0018%); highest among the groups gnomAD compares: Middle Eastern, 0.016%; no homozygotes.

Submissions (2):

Labcorp Genetics (formerly Invitae), Labcorp
Classification: Likely benign. Last evaluated: 2024-08-08. Review status: criteria provided, single submitter. Criteria: Invitae Variant Classification Sherloc (09022015). Collection method: clinical testing. Allele origin: germline.

PreventionGenetics, part of Exact Sciences
Classification: Likely benign for NR0B2-related condition. Last evaluated: 2021-08-10. Review status: no assertion criteria provided. Collection method: clinical testing. Allele origin: germline. Not counted in ClinVar's aggregate classification.
Comment: This variant is classified as likely benign based on ACMG/AMP sequence variant interpretation guidelines (Richards et al. 2015 PMID: 25741868, with internal and published modifications).